The following is an entry in ClinVar:

NM_001287.6(CLCN7):c.837C>G (p.Phe279Leu)

Gene: CLCN7 (chloride voltage-gated channel 7; minus strand). Cytogenetic location: 16p13.3.
Variant type: single nucleotide variant.
Coding change: c.837C>G on transcript NM_001287.6 (MANE Select); coding-DNA position 837, C replaced by G.
Protein change: p.Phe279Leu; replaces phenylalanine 279 with leucine.
Molecular consequence: missense variant.
Genome position (GRCh38, 1-based): chr16:1,456,192, G>C on the plus strand (C>G on the coding strand, the complement: CLCN7 is on the minus strand). VCF-style: chr16-1456192-G-C. GRCh37 (hg19) VCF-style: chr16-1506193-G-C.
Other names: c.765C>G, p.Phe255Leu (NM_001114331.3); short protein forms F255L, F279L.
Identifiers: ClinVar variation 3648912 (VCV003648912.2).

ClinVar aggregate classification (germline): Uncertain significance (1 of 4 stars; one submission).

Submission:

Labcorp Genetics (formerly Invitae), Labcorp
Classification: Uncertain significance. Last evaluated: 2024-04-05. Review status: criteria provided, single submitter. Criteria: Invitae Variant Classification Sherloc (09022015). Collection method: clinical testing. Allele origin: germline.
Comment: This sequence change replaces phenylalanine, which is neutral and non-polar, with leucine, which is neutral and non-polar, at codon 279 of the CLCN7 protein (p.Phe279Leu). This variant is not present in population databases (gnomAD no frequency). This variant has not been reported in the literature in individuals affected with CLCN7-related conditions. An algorithm developed to predict the effect of missense changes on protein structure and function (PolyPhen-2) suggests that this variant is likely to be tolerated. In summary, the available evidence is currently insufficient to determine the role of this variant in disease. Therefore, it has been classified as a Variant of Uncertain Significance.